The following is an entry in ClinVar:

NM_004104.5(FASN):c.2760C>G (p.His920Gln)

Gene: FASN (fatty acid synthase; minus strand). Cytogenetic location: 17q25.3.
Variant type: single nucleotide variant.
Coding change: c.2760C>G on transcript NM_004104.5 (MANE Select); coding-DNA position 2760, C replaced by G.
Protein change: p.His920Gln; replaces histidine 920 with glutamine.
Molecular consequence: missense variant.
Genome position (GRCh38, 1-based): chr17:82,088,141, G>C on the plus strand (C>G on the coding strand, the complement: FASN is on the minus strand). VCF-style: chr17-82088141-G-C. GRCh37 (hg19) VCF-style: chr17-80046017-G-C.
Other names: short protein forms H920Q.
Identifiers: ClinVar variation 2839549 (VCV002839549.3), dbSNP rs2034138434, ClinGen allele CA401555823.

ClinVar aggregate classification (germline): Uncertain significance (1 of 4 stars; one submission).

Conditions:
Epileptic encephalopathy. Identifiers: MedGen C0543888, HP:0200134.

Submission:

Labcorp Genetics (formerly Invitae), Labcorp
Classification: Uncertain significance for Epileptic encephalopathy. Last evaluated: 2023-02-21. Review status: criteria provided, single submitter. Criteria: Invitae Variant Classification Sherloc (09022015). Collection method: clinical testing. Allele origin: germline.
Comment: This variant is not present in population databases (gnomAD no frequency). In summary, the available evidence is currently insufficient to determine the role of this variant in disease. Therefore, it has been classified as a Variant of Uncertain Significance. An algorithm developed to predict the effect of missense changes on protein structure and function (PolyPhen-2) suggests that this variant is likely to be tolerated. This variant has not been reported in the literature in individuals affected with FASN-related conditions. This sequence change replaces histidine, which is basic and polar, with glutamine, which is neutral and polar, at codon 920 of the FASN protein (p.His920Gln).